The following is an entry in ClinVar:

ClinVar aggregate classification (germline): Likely benign (0 of 4 stars; one submission).

Conditions:
KDM3B-related disorder. Also called: KDM3B-related condition.

Allele frequency attached by ClinVar (database versions not stated): gnomAD 0.00005; gnomAD exomes 0.00005; TOPMed 0.00005; ExAC 0.00009; ESP Exome Variant Server 0.00015.
gnomAD v4.1: 83 of 1,614,036 alleles (0.0051%); highest among the groups gnomAD compares: East Asian, 0.011%; no homozygotes.

Submission:

PreventionGenetics, part of Exact Sciences
Classification: Likely benign for KDM3B-related condition. Last evaluated: 2022-07-06. Review status: no assertion criteria provided. Collection method: clinical testing. Allele origin: germline.
Comment: This variant is classified as likely benign based on ACMG/AMP sequence variant interpretation guidelines (Richards et al. 2015 PMID: 25741868, with internal and published modifications).

NM_016604.4(KDM3B):c.1028C>T (p.Pro343Leu)

Gene: KDM3B (lysine demethylase 3B; plus strand). Cytogenetic location: 5q31.2.
Variant type: single nucleotide variant.
Coding change: c.1028C>T on transcript NM_016604.4 (MANE Select); coding-DNA position 1028, C replaced by T.
Protein change: p.Pro343Leu; replaces proline 343 with leucine.
Molecular consequence: missense variant.
Genome position (GRCh38, 1-based): chr5:138,386,269, C>T. VCF-style: chr5-138386269-C-T. GRCh37 (hg19) VCF-style: chr5-137721958-C-T.
Other names: short protein forms P343L.
Identifiers: ClinVar variation 3046801 (VCV003046801.2), dbSNP rs140546320, ClinGen allele CA3428832.
Genomic context (GRCh38, chr5:138,386,269, plus strand): 5'-CCTGGAAAGGAGGGAATGCCAGTGGAGAGCCAGGGCTGGATCAGAGAGCCAAGCAGCCAC[C>T]GTCTACATTTGTCCCCCAGATAAACCGCAACATTCGCTTTGCCACTTACACCAAAGAAAA-3'
Protein context (NP_057688.3, residues 333-353): PGLDQRAKQP[Pro343Leu]STFVPQINRN